The following is an entry in ClinVar:

ClinVar aggregate classification (germline): Benign/Likely benign. Review status: criteria provided, multiple submitters, no conflicts (2 of 4 stars). 2 submissions from 2 submitters: Benign (1); Likely benign (1). Last evaluated 2022-04-01.

Allele frequency attached by ClinVar (database versions not stated): 1000 Genomes Project 30x 0.00062; 1000 Genomes Project 0.00080; gnomAD 0.00117 and 0.00168; gnomAD exomes 0.00158; TOPMed 0.00178; ExAC 0.00202; ESP Exome Variant Server 0.00239.
gnomAD v4.1: 3,111 of 1,610,498 alleles (0.19%); highest among the groups gnomAD compares: Non-Finnish European, 0.24%; 7 homozygotes.

Submissions (13):

CeGaT Center for Human Genetics Tuebingen
Classification: Likely benign. Last evaluated: 2022-04-01. Review status: criteria provided, single submitter. Criteria: CeGaT Center For Human Genetics Tuebingen Variant Classification Criteria Version 2. Collection method: clinical testing. Allele origin: germline. Affected: yes. Observed: 1 variant allele.
Comment: CLEC16A: BP4, BP7

Labcorp Genetics (formerly Invitae), Labcorp
Classification: Benign. Last evaluated: 2019-12-31. Review status: criteria provided, single submitter. Criteria: Invitae Variant Classification Sherloc (09022015). Collection method: clinical testing. Allele origin: germline.

Dr. Peter K. Rogan Lab, Western University
No classification provided (evidence only). Condition: Clear cell carcinoma of kidney. Review status: no classification provided. Collection method: in vitro. Allele origin: not applicable. Functional consequence: retained intron. Not counted in ClinVar's aggregate classification.

Dr. Peter K. Rogan Lab, Western University
No classification provided (evidence only). Condition: Lung cancer. Review status: no classification provided. Collection method: in vitro. Allele origin: not applicable. Functional consequence: retained intron. Not counted in ClinVar's aggregate classification.

Dr. Peter K. Rogan Lab, Western University
No classification provided (evidence only). Condition: Melanoma. Review status: no classification provided. Collection method: in vitro. Allele origin: not applicable. Functional consequence: skipped exon, retained intron. Not counted in ClinVar's aggregate classification.

Dr. Peter K. Rogan Lab, Western University
No classification provided (evidence only). Condition: Familial cancer of breast. Review status: no classification provided. Collection method: in vitro. Allele origin: not applicable. Functional consequence: retained intron. Not counted in ClinVar's aggregate classification.

Dr. Peter K. Rogan Lab, Western University
No classification provided (evidence only). Condition: Acute myeloid leukemia. Review status: no classification provided. Collection method: in vitro. Allele origin: not applicable. Functional consequence: skipped exon, retained intron. Not counted in ClinVar's aggregate classification.

Dr. Peter K. Rogan Lab, Western University
No classification provided (evidence only). Condition: Acute myeloid leukemia. Review status: no classification provided. Collection method: in vitro. Allele origin: not applicable. Functional consequence: retained intron. Not counted in ClinVar's aggregate classification.

Dr. Peter K. Rogan Lab, Western University
No classification provided (evidence only). Condition: Thyroid cancer, nonmedullary, 1. Review status: no classification provided. Collection method: in vitro. Allele origin: not applicable. Functional consequence: skipped exon. Not counted in ClinVar's aggregate classification.

Dr. Peter K. Rogan Lab, Western University
No classification provided (evidence only). Condition: Nonpapillary renal cell carcinoma. Review status: no classification provided. Collection method: in vitro. Allele origin: not applicable. Functional consequence: retained intron. Not counted in ClinVar's aggregate classification.

Dr. Peter K. Rogan Lab, Western University
No classification provided (evidence only). Condition: Ovarian serous cystadenocarcinoma. Review status: no classification provided. Collection method: in vitro. Allele origin: not applicable. Functional consequence: retained intron. Not counted in ClinVar's aggregate classification.

Dr. Peter K. Rogan Lab, Western University
No classification provided (evidence only). Condition: Ovarian serous cystadenocarcinoma. Review status: no classification provided. Collection method: in vitro. Allele origin: not applicable. Functional consequence: retained intron. Not counted in ClinVar's aggregate classification.

Dr. Peter K. Rogan Lab, Western University
No classification provided (evidence only). Condition: Gastric cancer. Review status: no classification provided. Collection method: in vitro. Allele origin: not applicable. Functional consequence: retained intron. Not counted in ClinVar's aggregate classification.

NM_015226.3(CLEC16A):c.1296G>A (p.Glu432=)

Gene: CLEC16A (C-type lectin domain containing 16A; plus strand). Cytogenetic location: 16p13.13.
Variant type: single nucleotide variant.
Coding change: c.1296G>A on transcript NM_015226.3 (MANE Select); coding-DNA position 1296, G replaced by A.
Protein change: p.Glu432=; no amino-acid change (glutamic acid 432 retained).
Molecular consequence: synonymous variant. On other transcripts: intron variant (1).
Genome position (GRCh38, 1-based): chr16:11,003,298, G>A. VCF-style: chr16-11003298-G-A. GRCh37 (hg19) VCF-style: chr16-11097155-G-A.
Other names: NC_000016.9:g.11097155G>A; c.1249+41G>A (NM_001243403.2).
Identifiers: ClinVar variation 711595 (VCV000711595.29), dbSNP rs45464291, ClinGen allele CA7901355.
Genomic context (GRCh38, chr16:11,003,298, plus strand): 5'-AGACGCCGAGAAGGCTAAAGGTACAGAGGGTGGTTCAAAAGGCATCAAGACGAGTGGGGA[G>A]AGTGAAGGTGAGTGTCCCCATGAACGCCGCCCTGTGCCTGCGCCGCCAGCCAGCCCGCCA-3'
Protein context (NP_056041.1, residues 422-442): GGSKGIKTSG[Glu432=]SEEIEMVIME